The following is an entry in ClinVar:

ClinVar aggregate classification (germline): Uncertain significance (1 of 4 stars; one submission).

Submission:

Labcorp Genetics (formerly Invitae), Labcorp
Classification: Uncertain significance. Last evaluated: 2023-12-27. Review status: criteria provided, single submitter. Criteria: Invitae Variant Classification Sherloc (09022015). Collection method: clinical testing. Allele origin: germline.
Comment: This sequence change replaces asparagine, which is neutral and polar, with aspartic acid, which is acidic and polar, at codon 638 of the ATP1A1 protein (p.Asn638Asp). This variant is not present in population databases (gnomAD no frequency). This variant has not been reported in the literature in individuals affected with ATP1A1-related conditions. Advanced modeling of protein sequence and biophysical properties (such as structural, functional, and spatial information, amino acid conservation, physicochemical variation, residue mobility, and thermodynamic stability) performed at Invitae indicates that this missense variant is not expected to disrupt ATP1A1 protein function with a negative predictive value of 95%. In summary, the available evidence is currently insufficient to determine the role of this variant in disease. Therefore, it has been classified as a Variant of Uncertain Significance.

NM_000701.8(ATP1A1):c.1912A>G (p.Asn638Asp)

Genes: ATP1A1 (ATPase Na+/K+ transporting subunit alpha 1; plus strand), ATP1A1-AS1 (ATP1A1 antisense RNA 1; minus strand). Cytogenetic location: 1p13.1.
Variant type: single nucleotide variant.
Coding change: c.1912A>G on transcript NM_000701.8 (MANE Select); coding-DNA position 1912, A replaced by G.
Protein change: p.Asn638Asp; replaces asparagine 638 with aspartic acid.
Molecular consequence: missense variant.
Genome position (GRCh38, 1-based): chr1:116,396,673, A>G. VCF-style: chr1-116396673-A-G. GRCh37 (hg19) VCF-style: chr1-116939295-A-G.
Other names: c.1912A>G, p.Asn638Asp (NM_001160233.2); c.1819A>G, p.Asn607Asp (NM_001160234.2); short protein forms N607D, N638D.
Identifiers: ClinVar variation 2705885 (VCV002705885.3), dbSNP rs2525868946, ClinGen allele CA341772182.